The following is an entry in ClinVar:

ClinVar aggregate classification (germline): Uncertain significance. Review status: criteria provided, multiple submitters, no conflicts (2 of 4 stars). 2 submissions from 2 submitters: Uncertain significance (2). Last evaluated 2021-08-04.

Allele frequency attached by ClinVar (database versions not stated): gnomAD exomes below 0.00001 and 0.00001; gnomAD 0.00001; TOPMed 0.00002; 1000 Genomes Project 30x 0.00016; 1000 Genomes Project 0.00020.
gnomAD v4.1: 18 of 1,614,070 alleles (0.0011%); highest among the groups gnomAD compares: African/African-American, 0.004%; no homozygotes.

Submissions (2):

Labcorp Genetics (formerly Invitae), Labcorp
Classification: Uncertain significance. Last evaluated: 2021-08-04. Review status: criteria provided, single submitter. Criteria: Invitae Variant Classification Sherloc (09022015). Collection method: clinical testing. Allele origin: germline.
Comment: This sequence change replaces arginine with cysteine at codon 206 of the TPI1 protein (p.Arg206Cys). The arginine residue is highly conserved and there is a large physicochemical difference between arginine and cysteine. This variant is not present in population databases (ExAC no frequency). This variant has not been reported in the literature in individuals affected with TPI1-related conditions. Algorithms developed to predict the effect of missense changes on protein structure and function are either unavailable or do not agree on the potential impact of this missense change (SIFT: "Deleterious"; PolyPhen-2: "Benign"; Align-GVGD: "Class C15"). In summary, the available evidence is currently insufficient to determine the role of this variant in disease. Therefore, it has been classified as a Variant of Uncertain Significance.

Breakthrough Genomics
Classification: Uncertain significance. Review status: criteria provided, single submitter. Criteria: ACMG Guidelines, 2015. Collection method: not provided. Allele origin: germline. Inheritance: Autosomal recessive inheritance. Affected: yes.

NM_000365.6(TPI1):c.616C>T (p.Arg206Cys)

Gene: TPI1 (triosephosphate isomerase 1; plus strand). Cytogenetic location: 12p13.31.
Variant type: single nucleotide variant.
Coding change: c.616C>T on transcript NM_000365.6 (MANE Select); coding-DNA position 616, C replaced by T.
Protein change: p.Arg206Cys; replaces arginine 206 with cysteine.
Molecular consequence: missense variant.
Genome position (GRCh38, 1-based): chr12:6,870,121, C>T. VCF-style: chr12-6870121-C-T. GRCh37 (hg19) VCF-style: chr12-6979285-C-T.
Other names: c.727C>T, p.Arg243Cys (NM_001159287.1); c.370C>T, p.Arg124Cys (NM_001258026.2); short protein forms R206C, R124C, R243C.
Identifiers: ClinVar variation 1346577 (VCV001346577.9), dbSNP rs201946216, ClinGen allele CA232424635.